The following is an entry in ClinVar:

NM_144997.7(FLCN):c.30del (p.Cys11fs)

Gene: FLCN (folliculin; minus strand). Cytogenetic location: 17p11.2.
Variant type: Deletion.
Coding change: c.30del on transcript NM_144997.7 (MANE Select); coding-DNA position 30, one base deleted (C; older notation c.30delC).
Protein change: p.Cys11fs; shifts the reading frame from cysteine 11.
Molecular consequence: frameshift variant.
Genome position (GRCh38, 1-based): chr17:17,228,108, G deleted on the plus strand (C on the coding strand, the reverse complement: FLCN is on the minus strand). VCF-style (leftmost placement, unchanged base first): chr17-17228107-AG-A. GRCh37 (hg19) VCF-style: chr17-17131421-AG-A.
Other names: p.Cys11Alafs*44; c.30del, p.Cys11fs (NM_001353229.2, NM_001353230.2, NM_001353231.2 and 1 more transcripts); short protein forms C11fs.
Identifiers: ClinVar variation 1404404 (VCV001404404.8), dbSNP rs2145050572, ClinGen allele CA2573153095.

ClinVar aggregate classification (germline): Pathogenic/Likely pathogenic. Review status: criteria provided, multiple submitters, no conflicts (2 of 4 stars). 3 submissions from 3 submitters: Pathogenic (1); Likely pathogenic (2). Last evaluated 2025-01-21.

Conditions:
Birt-Hogg-Dube syndrome. Also called: Birt Hogg Dubé syndrome. Identifiers: Orphanet 122, MedGen C0346010, MONDO:0800444.
FLCN-related disorders.

Allele frequency attached by ClinVar (database versions not stated): gnomAD exomes below 0.00001.

Submissions (3):

Mayo Clinic Laboratories, Mayo Clinic
Classification: Likely pathogenic. Last evaluated: 2025-01-21. Review status: criteria provided, single submitter. Criteria: ACMG Guidelines, 2015. Collection method: clinical testing. Allele origin: germline. Observed: 1 variant allele.
Comment: PM2_supporting, PVS1

Blueprint Genetics
Classification: Likely pathogenic for FLCN-related disorders. Last evaluated: 2023-01-23. Review status: criteria provided, single submitter. Criteria: ACMG Guidelines, 2015. Collection method: clinical testing. Allele origin: germline. Affected: yes. Observed: 1 variant allele.

Labcorp Genetics (formerly Invitae), Labcorp
Classification: Pathogenic for Birt-Hogg-Dube syndrome. Last evaluated: 2021-01-25. Review status: criteria provided, single submitter. Criteria: Invitae Variant Classification Sherloc (09022015). Collection method: clinical testing. Allele origin: germline.
Comment: This sequence change creates a premature translational stop signal (p.Cys11Alafs*44) in the FLCN gene. It is expected to result in an absent or disrupted protein product. Loss-of-function variants in FLCN are known to be pathogenic (PMID: 15852235). This variant is not present in population databases (ExAC no frequency). This variant has not been reported in the literature in individuals with FLCN-related conditions. For these reasons, this variant has been classified as Pathogenic.

Literature cited by the submitters: PubMed 15852235 (cited by Labcorp Genetics (formerly Invitae), Labcorp).